The following is an entry in ClinVar:

NM_000540.3(RYR1):c.4382T>A (p.Met1461Lys)

Gene: RYR1 (ryanodine receptor 1; plus strand). Cytogenetic location: 19q13.2.
Variant type: single nucleotide variant.
Coding change: c.4382T>A on transcript NM_000540.3 (MANE Select); coding-DNA position 4382, T replaced by A.
Protein change: p.Met1461Lys; replaces methionine 1461 with lysine.
Molecular consequence: missense variant.
Genome position (GRCh38, 1-based): chr19:38,477,798, T>A. VCF-style: chr19-38477798-T-A. GRCh37 (hg19) VCF-style: chr19-38968438-T-A.
Other names: c.4382T>A, p.Met1461Lys (NM_001042723.2); short protein forms M1461K.
Identifiers: ClinVar variation 4808319 (VCV004808319.1).

ClinVar aggregate classification (germline): Uncertain significance (1 of 4 stars; one submission).

Conditions:
RYR1-related disorder. Also called: RYR1-related condition; RYR1-related disorders. Identifiers: MedGen CN239331.

Submission:

Labcorp Genetics (formerly Invitae), Labcorp
Classification: Uncertain significance for RYR1-related disorder. Last evaluated: 2025-05-18. Review status: criteria provided, single submitter. Criteria: Invitae Variant Classification Sherloc (09022015). Collection method: clinical testing. Allele origin: germline.
Comment: This sequence change replaces methionine, which is neutral and non-polar, with lysine, which is basic and polar, at codon 1461 of the RYR1 protein (p.Met1461Lys). This variant is not present in population databases (gnomAD no frequency). This variant has not been reported in the literature in individuals affected with RYR1-related conditions. Invitae Evidence Modeling of protein sequence and biophysical properties (such as structural, functional, and spatial information, amino acid conservation, physicochemical variation, residue mobility, and thermodynamic stability) indicates that this missense variant is not expected to disrupt RYR1 protein function with a negative predictive value of 80%. In summary, the available evidence is currently insufficient to determine the role of this variant in disease. Therefore, it has been classified as a Variant of Uncertain Significance.